The following is an entry in ClinVar:

ClinVar aggregate classification (germline): Likely benign (1 of 4 stars; one submission).

Conditions:
PLCG1-related disorder. Also called: PLCG1-related condition.

gnomAD v4.1: 177 of 1,596,248 alleles (0.011%); highest among the groups gnomAD compares: African/African-American, 0.21%; no homozygotes.

Submissions (3):

PreventionGenetics, part of Exact Sciences
Classification: Likely benign for PLCG1-related condition. Last evaluated: 2024-11-21. Review status: criteria provided, single submitter. Criteria: ACMG Guidelines, 2015. Collection method: clinical testing. Allele origin: germline.
Comment: This variant is classified as likely benign based on ACMG/AMP sequence variant interpretation guidelines (Richards et al. 2015 PMID: 25741868, with internal and published modifications).

Dr. Peter K. Rogan Lab, Western University
No classification provided (evidence only). Condition: Cervical cancer. Review status: no classification provided. Collection method: in vitro. Allele origin: not applicable. Functional consequence: retained intron. Not counted in ClinVar's aggregate classification.

Dr. Peter K. Rogan Lab, Western University
No classification provided (evidence only). Condition: Cervical cancer. Review status: no classification provided. Collection method: in vitro. Allele origin: not applicable. Functional consequence: retained intron. Not counted in ClinVar's aggregate classification.

NM_002660.3(PLCG1):c.2483+4A>G

Gene: PLCG1 (phospholipase C gamma 1; plus strand). Cytogenetic location: 20q12.
Variant type: single nucleotide variant.
Coding change: c.2483+4A>G on transcript NM_002660.3 (MANE Select); 4 bases into the intron after coding-DNA position 2483, A replaced by G.
Molecular consequence: intron variant.
Genome position (GRCh38, 1-based): chr20:41,168,874, A>G. VCF-style: chr20-41168874-A-G. GRCh37 (hg19) VCF-style: chr20-39797514-A-G.
Other names: NC_000020.10:g.39797514A>G; c.2483+4A>G (NM_182811.2, NM_002660.2).
Identifiers: ClinVar variation 4450587 (VCV004450587.2).